The following is an entry in ClinVar:

NM_015466.4(PTPN23):c.3127C>G (p.Gln1043Glu)

Gene: PTPN23 (protein tyrosine phosphatase non-receptor type 23; plus strand). Cytogenetic location: 3p21.31.
Variant type: single nucleotide variant.
Coding change: c.3127C>G on transcript NM_015466.4 (MANE Select); coding-DNA position 3127, C replaced by G.
Protein change: p.Gln1043Glu; replaces glutamine 1043 with glutamic acid.
Molecular consequence: missense variant.
Genome position (GRCh38, 1-based): chr3:47,410,925, C>G. VCF-style: chr3-47410925-C-G. GRCh37 (hg19) VCF-style: chr3-47452415-C-G.
Other names: c.2749C>G, p.Gln917Glu (NM_001304482.2); short protein forms Q917E, Q1043E.
Identifiers: ClinVar variation 1487343 (VCV001487343.9), dbSNP rs1464458056, ClinGen allele CA352561192.

ClinVar aggregate classification (germline): Uncertain significance. Review status: criteria provided, multiple submitters, no conflicts (2 of 4 stars). 2 submissions from 2 submitters: Uncertain significance (2). Last evaluated 2025-12-26.

Allele frequency attached by ClinVar (database versions not stated): gnomAD exomes below 0.00001 and 0.00001.

Submissions (2):

Women's Health and Genetics/Laboratory Corporation of America, LabCorp
Classification: Uncertain significance. Last evaluated: 2025-12-26. Review status: criteria provided, single submitter. Criteria: LabCorp Variant Classification Summary - May 2015. Collection method: clinical testing. Allele origin: germline.
Comment: Variant summary: PTPN23 c.3127C>G (p.Gln1043Glu) results in a conservative amino acid change in the encoded protein sequence. Algorithms developed to predict the effect of missense changes on protein structure and function all suggest that this variant is likely to be tolerated. The variant allele was found at a frequency of 8.2e-06 in 243110 control chromosomes. The available data on variant occurrences in the general population are insufficient to allow any conclusion about variant significance. To our knowledge, no occurrence of c.3127C>G in individuals affected with PTPN23-related conditions and no experimental evidence demonstrating its impact on protein function have been reported. ClinVar contains an entry for this variant (Variation ID: 1487343). Based on the evidence outlined above, the variant was classified as uncertain significance.

Labcorp Genetics (formerly Invitae), Labcorp
Classification: Uncertain significance. Last evaluated: 2023-08-30. Review status: criteria provided, single submitter. Criteria: Invitae Variant Classification Sherloc (09022015). Collection method: clinical testing. Allele origin: germline.
Comment: This sequence change replaces glutamine, which is neutral and polar, with glutamic acid, which is acidic and polar, at codon 1043 of the PTPN23 protein (p.Gln1043Glu). This variant is present in population databases (no rsID available, gnomAD 0.0009%). This variant has not been reported in the literature in individuals affected with PTPN23-related conditions. ClinVar contains an entry for this variant (Variation ID: 1487343). An algorithm developed to predict the effect of missense changes on protein structure and function (PolyPhen-2) suggests that this variant is likely to be tolerated. In summary, the available evidence is currently insufficient to determine the role of this variant in disease. Therefore, it has been classified as a Variant of Uncertain Significance.